The following is an entry in ClinVar:

ClinVar aggregate classification (germline): Uncertain significance. Review status: criteria provided, multiple submitters, no conflicts (2 of 4 stars). 4 submissions from 4 submitters: Uncertain significance (4). Last evaluated 2025-07-18.

Conditions:
Donnai-Barrow syndrome. Also called: DBS/FOAR SYNDROME; FACIOOCULOACOUSTICORENAL SYNDROME. Identifiers: Orphanet 2143, MedGen C1857277, MONDO:0009104, OMIM 222448.

Allele frequency attached by ClinVar (database versions not stated): ExAC 0.00003; gnomAD 0.00003 and 0.00004; gnomAD exomes 0.00003 and 0.00007; TOPMed 0.00004.
gnomAD v4.1: 118 of 1,613,784 alleles (0.0073%); highest among the groups gnomAD compares: Non-Finnish European, 0.0092%; no homozygotes.

Submissions (4):

Women's Health and Genetics/Laboratory Corporation of America, LabCorp
Classification: Uncertain significance. Last evaluated: 2025-07-18. Review status: criteria provided, single submitter. Criteria: LabCorp Variant Classification Summary - May 2015. Collection method: clinical testing. Allele origin: germline.
Comment: Variant summary: LRP2 c.1435A>C (p.Asn479His) results in a conservative amino acid change in the encoded protein sequence. Algorithms developed to predict the effect of missense changes on protein structure and function are either unavailable or do not agree on the potential impact of this missense change. The variant allele was found at a frequency of 3.2e-05 in 250876 control chromosomes. The available data on variant occurrences in the general population are insufficient to allow any conclusion about variant significance. To our knowledge, no occurrence of c.1435A>C in individuals affected with Donnai Barrow Syndrome and no experimental evidence demonstrating its impact on protein function have been reported. ClinVar contains an entry for this variant (Variation ID: 1403872). Based on the evidence outlined above, the variant was classified as uncertain significance.

Blueprint Genetics
Classification: Uncertain significance. Last evaluated: 2024-07-02. Review status: criteria provided, single submitter. Criteria: ACMG Guidelines, 2015. Collection method: clinical testing. Allele origin: germline.

Fulgent Genetics
Classification: Uncertain significance for Donnai-Barrow syndrome. Last evaluated: 2024-06-19. Review status: criteria provided, single submitter. Criteria: ACMG Guidelines, 2015. Collection method: clinical testing. Allele origin: germline.

Labcorp Genetics (formerly Invitae), Labcorp
Classification: Uncertain significance. Last evaluated: 2022-02-08. Review status: criteria provided, single submitter. Criteria: Invitae Variant Classification Sherloc (09022015). Collection method: clinical testing. Allele origin: germline.
Comment: This sequence change replaces asparagine, which is neutral and polar, with histidine, which is basic and polar, at codon 479 of the LRP2 protein (p.Asn479His). This variant is present in population databases (rs771749233, gnomAD 0.006%). This variant has not been reported in the literature in individuals affected with LRP2-related conditions. Advanced modeling of protein sequence and biophysical properties (such as structural, functional, and spatial information, amino acid conservation, physicochemical variation, residue mobility, and thermodynamic stability) performed at Invitae indicates that this missense variant is expected to disrupt LRP2 protein function. In summary, the available evidence is currently insufficient to determine the role of this variant in disease. Therefore, it has been classified as a Variant of Uncertain Significance.

NM_004525.3(LRP2):c.1435A>C (p.Asn479His)

Gene: LRP2 (LDL receptor related protein 2; minus strand). Cytogenetic location: 2q31.1.
Variant type: single nucleotide variant.
Coding change: c.1435A>C on transcript NM_004525.3 (MANE Select); coding-DNA position 1435, A replaced by C.
Protein change: p.Asn479His; replaces asparagine 479 with histidine.
Molecular consequence: missense variant.
Genome position (GRCh38, 1-based): chr2:169,279,502, T>G on the plus strand (A>C on the coding strand, the complement: LRP2 is on the minus strand). VCF-style: chr2-169279502-T-G. GRCh37 (hg19) VCF-style: chr2-170136012-T-G.
Other names: short protein forms N479H.
Identifiers: ClinVar variation 1403872 (VCV001403872.9), dbSNP rs771749233, ClinGen allele CA1955564.